The following is an entry in ClinVar:

ClinVar aggregate classification (germline): Pathogenic (1 of 4 stars; one submission).

Conditions:
Cardiovascular phenotype. Identifiers: MedGen CN230736.
Hereditary cancer-predisposing syndrome. Also called: Tumor predisposition; Neoplastic Syndromes, Hereditary; Hereditary neoplastic syndrome; Hereditary Cancer Syndrome. Identifiers: Orphanet 140162, MedGen C0027672, MeSH D009386, MONDO:0015356.

Submission:

Ambry Genetics
Classification: Pathogenic for Cardiovascular phenotype; Hereditary cancer-predisposing syndrome. Last evaluated: 2025-06-23. Review status: criteria provided, single submitter. Criteria: Ambry Variant Classification Scheme 2023. Collection method: clinical testing. Allele origin: germline.
Comment: The c.479delG variant, located in coding exon 5 of the LZTR1 gene, results from a deletion of one nucleotide at nucleotide position 479, causing a translational frameshift with a predicted alternate stop codon (p.G160Afs*40). This variant is considered to be rare based on population cohorts in the Genome Aggregation Database (gnomAD). Loss-of-function variants in LZTR1 are related to an increased risk for schwannomas and autosomal recessive Noonan syndrome; however, such associations with autosomal dominant Noonan syndrome have not been observed (Piotrowski A et al. Nat Genet. 2014 Feb;46:182-7; Yamamoto GL et al. J Med Genet. 2015 Jun;52:413-21; Johnston JJ et al. Genet Med. 2018 10;20:1175-1185). This alteration is expected to result in loss of function by premature protein truncation or nonsense-mediated mRNA decay. Based on the supporting evidence, this variant is pathogenic for an increased risk of LZTR1-related schwannomatosis (SWN) and would be expected to cause autosomal recessive Noonan syndrome when present along with a second pathogenic or likely pathogenic variant on the other allele; however, the association of this alteration with autosomal dominant Noonan syndrome is unlikely.

NM_006767.4(LZTR1):c.479del (p.Gly160fs)

Gene: LZTR1 (leucine zipper like post translational regulator 1; plus strand). Cytogenetic location: 22q11.21.
Variant type: Deletion.
Coding change: c.479del on transcript NM_006767.4 (MANE Select); coding-DNA position 479, one base deleted (G; older notation c.479delG).
Protein change: p.Gly160fs; shifts the reading frame from glycine 160.
Molecular consequence: frameshift variant.
Genome position (GRCh38, 1-based): chr22:20,988,088, G deleted; the last of 2 consecutive G bases (chr22:20,988,087-20,988,088); deleting either gives the same sequence. VCF-style (leftmost placement, unchanged base first): chr22-20988086-TG-T. GRCh37 (hg19) VCF-style: chr22-21342375-TG-T.
Other names: short protein forms G160fs.
Identifiers: ClinVar variation 4101866 (VCV004101866.1).
Genomic context (GRCh38, chr22:20,988,086, plus strand): 5'-CATTTATTCCAATTCTAACTTGAAGAATAAAAACGACCTCTTTGAATACAAGTTTGCAAC[TG>T]GCCAGTGGACGGAGTGGAAAATTGAAGGACGGTGAGAAACTTTGCAGAAACATTTGGGAC-3'